The following is an entry in ClinVar:

ClinVar aggregate classification (germline): Uncertain significance. Review status: criteria provided, multiple submitters, no conflicts (2 of 4 stars). 3 submissions from 3 submitters: Uncertain significance (3). Last evaluated 2026-07-29.

Conditions:
Tuberous sclerosis syndrome (TSC). Also called: Tuberous Sclerosis Complex; Tuberous sclerosis. Identifiers: Orphanet 805, MedGen C0041341, MONDO:0001734.
Tuberous sclerosis 2 (TSC2). Identifiers: Orphanet 805, MedGen C1860707, MONDO:0013199, OMIM 613254.
Hereditary cancer-predisposing syndrome. Also called: Tumor predisposition; Hereditary Cancer Syndrome; Hereditary neoplastic syndrome; Neoplastic Syndromes, Hereditary. Identifiers: Orphanet 140162, MedGen C0027672, MeSH D009386, MONDO:0015356.

gnomAD v4.1: 1 of 1,613,270 alleles (0.000062%); highest among the groups gnomAD compares: Non-Finnish European, 0.000085%; no homozygotes.

Submissions (3):

Ambry Genetics
Classification: Uncertain significance for Hereditary cancer-predisposing syndrome. Last evaluated: 2026-07-29. Review status: criteria provided, single submitter. Criteria: Ambry Variant Classification Scheme 2023. Collection method: clinical testing. Allele origin: germline.
Comment: The p.F1499S variant (also known as c.4496T>C), located in coding exon 34 of the TSC2 gene, results from a T to C substitution at nucleotide position 4496. The phenylalanine at codon 1499 is replaced by serine, an amino acid with highly dissimilar properties. This amino acid position is conserved. In addition, this alteration is predicted to be deleterious by in silico analysis. Based on the available evidence, the clinical significance of this variant remains unclear.

All of Us Research Program, National Institutes of Health
Classification: Uncertain significance for Tuberous sclerosis syndrome. Last evaluated: 2024-05-30. Review status: criteria provided, single submitter. Criteria: ACMG Guidelines, 2015. Collection method: clinical testing. Allele origin: germline. Inheritance: Autosomal dominant inheritance. Observed: 1 variant allele, 1 heterozygote.
Comment: This missense variant replaces phenylalanine with serine at codon 1499 of the TSC2 protein. Computational prediction suggests that this variant may have deleterious impact on protein structure and function (internally defined REVEL score threshold >= 0.7, PMID: 27666373). To our knowledge, functional studies have not been reported for this variant. This variant has not been reported in individuals affected with TSC2-related disorders in the literature. This variant has not been identified in the general population by the Genome Aggregation Database (gnomAD). The available evidence is insufficient to determine the role of this variant in disease conclusively. Therefore, this variant is classified as a Variant of Uncertain Significance.

This study involves interpretation of variants in research participants for the purpose of population health screening. Participant phenotype was not available at the time of variant classification. Additional details can be found in publication PMID: 35346344, PMCID: PMC8962531

Labcorp Genetics (formerly Invitae), Labcorp
Classification: Uncertain significance for Tuberous sclerosis 2. Last evaluated: 2022-06-22. Review status: criteria provided, single submitter. Criteria: Invitae Variant Classification Sherloc (09022015). Collection method: clinical testing. Allele origin: germline.
Comment: In summary, the available evidence is currently insufficient to determine the role of this variant in disease. Therefore, it has been classified as a Variant of Uncertain Significance. Algorithms developed to predict the effect of missense changes on protein structure and function are either unavailable or do not agree on the potential impact of this missense change (SIFT: "Deleterious"; PolyPhen-2: "Possibly Damaging"; Align-GVGD: "Class C0"). ClinVar contains an entry for this variant (Variation ID: 1036527). This variant has not been reported in the literature in individuals affected with TSC2-related conditions. This variant is not present in population databases (gnomAD no frequency). This sequence change replaces phenylalanine, which is neutral and non-polar, with serine, which is neutral and polar, at codon 1499 of the TSC2 protein (p.Phe1499Ser).

NM_000548.5(TSC2):c.4496T>C (p.Phe1499Ser)

Gene: TSC2 (TSC complex subunit 2; plus strand). Cytogenetic location: 16p13.3.
Variant type: single nucleotide variant.
Coding change: c.4496T>C on transcript NM_000548.5 (MANE Select); coding-DNA position 4496, T replaced by C.
Protein change: p.Phe1499Ser; replaces phenylalanine 1499 with serine.
Molecular consequence: missense variant.
Genome position (GRCh38, 1-based): chr16:2,084,953, T>C. VCF-style: chr16-2084953-T-C. GRCh37 (hg19) VCF-style: chr16-2134954-T-C.
Other names: c.4496T>C (NM_000548.3); c.4295T>C, p.Phe1432Ser (NM_001077183.3); c.4427T>C, p.Phe1476Ser (NM_001114382.3); c.4187T>C, p.Phe1396Ser (NM_001318827.2); c.4151T>C, p.Phe1384Ser (NM_001318829.2); c.3764T>C, p.Phe1255Ser (NM_001318831.2); c.4328T>C, p.Phe1443Ser (NM_001318832.2); c.4298T>C, p.Phe1433Ser (NM_001363528.2); and 2 more; short protein forms F1255S, F1384S, F1456S, F1396S, F1433S, F1443S, F1476S, F1432S.
Identifiers: ClinVar variation 1036527 (VCV001036527.11), dbSNP rs1596422033, ClinGen allele CA394302684.